The following is an entry in ClinVar:

ClinVar aggregate classification (germline): Uncertain significance (1 of 4 stars; one submission).

Submission:

GeneDx
Classification: Uncertain significance. Last evaluated: 2022-11-09. Review status: criteria provided, single submitter. Criteria: GeneDx Variant Classification Process June 2021. Collection method: clinical testing. Allele origin: germline. Affected: yes.
Comment: Not observed at significant frequency in large population cohorts (gnomAD); In silico analysis supports that this missense variant does not alter protein structure/function; Has not been previously published as pathogenic or benign to our knowledge

NM_001130438.3(SPTAN1):c.5572A>G (p.Lys1858Glu)

Gene: SPTAN1 (spectrin alpha, non-erythrocytic 1; plus strand). Cytogenetic location: 9q34.11.
Variant type: single nucleotide variant.
Coding change: c.5572A>G on transcript NM_001130438.3 (MANE Select); coding-DNA position 5572, A replaced by G.
Protein change: p.Lys1858Glu; replaces lysine 1858 with glutamic acid.
Molecular consequence: missense variant.
Genome position (GRCh38, 1-based): chr9:128,618,080, A>G. VCF-style: chr9-128618080-A-G. GRCh37 (hg19) VCF-style: chr9-131380359-A-G.
Other names: c.5497A>G, p.Lys1833Glu (NM_001195532.2); c.5572A>G, p.Lys1858Glu (NM_001363759.2, NM_001375310.1, NM_001375311.2 and 1 more transcripts); c.5512A>G, p.Lys1838Glu (NM_001363765.2, NM_001375314.2); c.5608A>G, p.Lys1870Glu (NM_001375312.2, NM_001375318.1); c.5557A>G, p.Lys1853Glu (NM_003127.4); short protein forms K1833E, K1838E, K1853E, K1858E, K1870E.
Identifiers: ClinVar variation 2502048 (VCV002502048.1), dbSNP rs1857397304, ClinGen allele CA375077315.